The following is an entry in ClinVar:

NM_000921.5(PDE3A):c.973T>C (p.Ser325Pro)

Gene: PDE3A (phosphodiesterase 3A; plus strand). Cytogenetic location: 12p12.2.
Variant type: single nucleotide variant.
Coding change: c.973T>C on transcript NM_000921.5 (MANE Select); coding-DNA position 973, T replaced by C.
Protein change: p.Ser325Pro; replaces serine 325 with proline.
Molecular consequence: missense variant.
Genome position (GRCh38, 1-based): chr12:20,556,672, T>C. VCF-style: chr12-20556672-T-C. GRCh37 (hg19) VCF-style: chr12-20709606-T-C.
Other names: c.973T>C (NM_000921.4); c.973T>C, p.Ser325Pro (NM_001378407.1); c.10T>C, p.Ser4Pro (NM_001378408.1); short protein forms S4P, S325P.
Identifiers: ClinVar variation 1442373 (VCV001442373.10), dbSNP rs770786703, ClinGen allele CA6473588.

ClinVar aggregate classification (germline): Uncertain significance. Review status: criteria provided, multiple submitters, no conflicts (2 of 4 stars). 2 submissions from 2 submitters: Uncertain significance (2). Last evaluated 2025-12-16.

Conditions:
Inborn genetic diseases. Identifiers: MedGen C0950123, MeSH D030342.

Allele frequency attached by ClinVar (database versions not stated): gnomAD exomes 0.00001 and 0.00004; ExAC 0.00002; gnomAD 0.00002; TOPMed below 0.00001.
gnomAD v4.1: 12 of 1,602,502 alleles (0.00075%); highest among the groups gnomAD compares: Admixed American, 0.018%; no homozygotes.

Submissions (2):

Ambry Genetics
Classification: Uncertain significance for Inborn genetic diseases. Last evaluated: 2025-12-16. Review status: criteria provided, single submitter. Criteria: Ambry Variant Classification Scheme 2023. Collection method: clinical testing. Allele origin: germline.

Labcorp Genetics (formerly Invitae), Labcorp
Classification: Uncertain significance. Last evaluated: 2025-06-23. Review status: criteria provided, single submitter. Criteria: Invitae Variant Classification Sherloc (09022015). Collection method: clinical testing. Allele origin: germline.
Comment: This sequence change replaces serine, which is neutral and polar, with proline, which is neutral and non-polar, at codon 325 of the PDE3A protein (p.Ser325Pro). This variant is present in population databases (rs770786703, gnomAD 0.03%). This variant has not been reported in the literature in individuals affected with PDE3A-related conditions. ClinVar contains an entry for this variant (Variation ID: 1442373). An algorithm developed to predict the effect of missense changes on protein structure and function (PolyPhen-2) suggests that this variant is likely to be tolerated. In summary, the available evidence is currently insufficient to determine the role of this variant in disease. Therefore, it has been classified as a Variant of Uncertain Significance.